The following is an entry in ClinVar:

ClinVar aggregate classification (germline): Likely benign. Review status: criteria provided, multiple submitters, no conflicts (2 of 4 stars). 9 submissions from 9 submitters: Likely benign (6). 3 of the submissions do not count toward it. Last evaluated 2026-10-01.

Conditions:
Inborn genetic diseases. Identifiers: MedGen C0950123, MeSH D030342.
Hyperinsulinemic hypoglycemia, familial, 1 (HHF1). Also called: HYPERINSULINISM, FAMILIAL, WITH PANCREATIC NESIDIOBLASTOSIS; HYPOGLYCEMIA, HYPERINSULINEMIC, OF INFANCY; NESIDIOBLASTOSIS OF PANCREAS; Persistent Hyperinsulinemia Hypoglycemia of Infancy; Persistent hyperinsulinemic hypoglycemia of infancy. Identifiers: Orphanet 276575, Orphanet 276598, MedGen C2931832, MONDO:0009734, OMIM 256450.

Allele frequency attached by ClinVar (database versions not stated): 1000 Genomes Project 30x 0.00031; ESP Exome Variant Server 0.00056; TOPMed 0.00072; gnomAD exomes 0.00097 and 0.00130; ExAC 0.00098; gnomAD 0.00123 and 0.00128.

Submissions (9):

CeGaT Center for Human Genetics Tuebingen
Classification: Likely benign. Last evaluated: 2026-10-01. Review status: criteria provided, single submitter. Criteria: CeGaT Center For Human Genetics Tuebingen Variant Classification Criteria Version 2. Collection method: clinical testing. Allele origin: germline. Affected: yes. Observed: 3 variant alleles.
Comment: ABCC8: BP4

Labcorp Genetics (formerly Invitae), Labcorp
Classification: Likely benign. Last evaluated: 2026-01-24. Review status: criteria provided, single submitter. Criteria: Invitae Variant Classification Sherloc (09022015). Collection method: clinical testing. Allele origin: germline.

Blueprint Genetics
Classification: Likely benign. Last evaluated: 2024-10-31. Review status: criteria provided, single submitter. Criteria: ACMG Guidelines, 2015. Collection method: clinical testing. Allele origin: germline.

Women's Health and Genetics/Laboratory Corporation of America, LabCorp
Classification: Likely benign. Last evaluated: 2024-06-07. Review status: criteria provided, single submitter. Criteria: LabCorp Variant Classification Summary - May 2015. Collection method: clinical testing. Allele origin: germline.
Comment: Variant summary: ABCC8 c.1332+4delC alters a conserved nucleotide located close to a canonical splice site and therefore could affect mRNA splicing, leading to a significantly altered protein sequence. Consensus agreement among computation tools predict no significant impact on normal splicing. This is consistent with functional studies using a minigene assay revealing no impact on splicing (Saint-Martin_2021). The variant allele was found at a frequency of 0.00097 in 251448 control chromosomes, predominantly at a frequency of 0.0016 within the Non-Finnish European subpopulation in the gnomAD database. This frequency is not significantly higher than estimated for a pathogenic variant in ABCC8 causing Congenital Hyperinsulinism, allowing no conclusion about variant significance. c.1332+4delC has been reported in the literature in individuals affected with Congenital Hyperinsulinism or Maturity-onset diabetes of the young (Suchi_2006, Saint-Martin_2021, Graff_2021). However, in some cases an alternative cause of disease was identified suggesting a benign role for this variant (Graff_2021). The following publications have been ascertained in the context of this evaluation (PMID: 34032641, 27913849, 33410562, 16357843). ClinVar contains an entry for this variant (Variation ID: 157682). Based on the evidence outlined above, the variant was classified as likely benign.

Ambry Genetics
Classification: Likely benign for Inborn genetic diseases. Last evaluated: 2021-11-22. Review status: criteria provided, single submitter. Criteria: Ambry Variant Classification Scheme 2023. Collection method: clinical testing. Allele origin: germline.

GeneDx
Classification: Likely benign. Last evaluated: 2020-04-20. Review status: criteria provided, single submitter. Criteria: GeneDx Variant Classification Process June 2021. Collection method: clinical testing. Allele origin: germline. Affected: yes.
Comment: This variant is associated with the following publications: (PMID: 16357843, 33410562)

Genetic Services Laboratory, University of Chicago
Classification: Likely benign for Hyperinsulinemic hypoglycemia, familial, 1. Last evaluated: 2016-01-08. Review status: no assertion criteria provided. Collection method: clinical testing. Allele origin: germline. Affected: yes. Not counted in ClinVar's aggregate classification.

Clinical Genetics DNA and cytogenetics Diagnostics Lab, Erasmus MC, Erasmus Medical Center
Classification: Likely benign. Review status: no assertion criteria provided. Collection method: clinical testing. Allele origin: germline. Affected: yes. Study: VKGL Data-share Consensus. Not counted in ClinVar's aggregate classification.

Laboratory of Diagnostic Genome Analysis, Leiden University Medical Center (LUMC)
Classification: Likely benign. Review status: no assertion criteria provided. Collection method: clinical testing. Allele origin: germline. Affected: yes. Study: VKGL Data-share Consensus. Not counted in ClinVar's aggregate classification.

Literature cited by the submitters: PubMed 16357843 (cited by Women's Health and Genetics/Laboratory Corporation of America, LabCorp); PubMed 27913849 (cited by Women's Health and Genetics/Laboratory Corporation of America, LabCorp); PubMed 33410562 (cited by Women's Health and Genetics/Laboratory Corporation of America, LabCorp); PubMed 34032641 (cited by Women's Health and Genetics/Laboratory Corporation of America, LabCorp).

NM_000352.6(ABCC8):c.1332+4del

Gene: ABCC8 (ATP binding cassette subfamily C member 8; minus strand). Cytogenetic location: 11p15.1.
Variant type: Deletion.
Coding change: c.1332+4del on transcript NM_000352.6 (MANE Select); 4 bases into the intron after coding-DNA position 1332, one base deleted (C; older notation c.1332+4delC).
Molecular consequence: intron variant.
Genome position (GRCh38, 1-based): chr11:17,448,512, G deleted on the plus strand (C on the coding strand, the reverse complement: ABCC8 is on the minus strand). VCF-style (leftmost placement, unchanged base first): chr11-17448511-AG-A. GRCh37 (hg19) VCF-style: chr11-17470058-AG-A.
Other names: c.1332+4delC (NM_000352.6); c.1329+4del (NM_001351297.2, NM_001351296.2); c.1332+4del (NM_001351295.2, NM_001287174.3).
Identifiers: ClinVar variation 157682 (VCV000157682.33), dbSNP rs587783164, ClinGen allele CA270975.
Genomic context (GRCh38, chr11:17,448,511, plus strand): 5'-TGGACCAGCAGATTCTGGTTGTGTGTCCTGCTGCCCCCCTCCCTTCCCCTCAGCCCATCT[AG>A]TACCTGTACTGGCATAGCCCAGAGGTTTGGGCACAAGAAGAAAAACCACATGAGCTGATT-3'